The following is an entry in ClinVar:

NM_018230.3(NUP133):c.397A>G (p.Ile133Val)

Gene: NUP133 (nucleoporin 133; minus strand). Cytogenetic location: 1q42.13.
Variant type: single nucleotide variant.
Coding change: c.397A>G on transcript NM_018230.3 (MANE Select); coding-DNA position 397, A replaced by G.
Protein change: p.Ile133Val; replaces isoleucine 133 with valine.
Molecular consequence: missense variant.
Genome position (GRCh38, 1-based): chr1:229,502,007, T>C on the plus strand (A>G on the coding strand, the complement: NUP133 is on the minus strand). VCF-style: chr1-229502007-T-C. GRCh37 (hg19) VCF-style: chr1-229637754-T-C.
Other names: c.397A>G (NM_018230.2); short protein forms I133V.
Identifiers: ClinVar variation 2175100 (VCV002175100.5), dbSNP rs200757782, ClinGen allele CA1443845.
Genomic context (GRCh38, chr1:229,502,007, plus strand): 5'-CAATTGGCATTCCTCTCCTCTATCTTGTTCCAGCTCTCTAAAGAGCCATTACCTTAGTAA[T>C]AGGTGACAGAGCAATCTTCCAAATAATGAGCTTCTCTTTGCACACCAGACAAGCCCATCC-3'
Protein context (NP_060700.2, residues 123-143): LIIWKIALSP[Ile133Val]TKLSVCKELQ

ClinVar aggregate classification (germline): Conflicting classifications of pathogenicity. Review status: criteria provided, conflicting classifications (1 of 4 stars). 2 submissions from 2 submitters: Uncertain significance (1); Likely benign (1). Last evaluated 2024-02-03.

Allele frequency attached by ClinVar (database versions not stated): ExAC 0.00002; gnomAD exomes 0.00002; TOPMed 0.00003; gnomAD 0.00005.
gnomAD v4.1: 40 of 1,607,854 alleles (0.0025%); highest among the groups gnomAD compares: Middle Eastern, 0.016%; no homozygotes.

Submissions (2):

Labcorp Genetics (formerly Invitae), Labcorp
Classification: Uncertain significance. Last evaluated: 2024-02-03. Review status: criteria provided, single submitter. Criteria: Invitae Variant Classification Sherloc (09022015). Collection method: clinical testing. Allele origin: germline.
Comment: This sequence change replaces isoleucine, which is neutral and non-polar, with valine, which is neutral and non-polar, at codon 133 of the NUP133 protein (p.Ile133Val). This variant is present in population databases (rs200757782, gnomAD 0.006%). This variant has not been reported in the literature in individuals affected with NUP133-related conditions. ClinVar contains an entry for this variant (Variation ID: 2175100). Algorithms developed to predict the effect of missense changes on protein structure and function output the following: SIFT: "Not Available"; PolyPhen-2: "Benign"; Align-GVGD: "Not Available". The valine amino acid residue is found in multiple mammalian species, which suggests that this missense change does not adversely affect protein function. In summary, the available evidence is currently insufficient to determine the role of this variant in disease. Therefore, it has been classified as a Variant of Uncertain Significance.

Ambry Genetics
Classification: Likely benign. Last evaluated: 2022-01-31. Review status: criteria provided, single submitter. Criteria: Ambry Variant Classification Scheme 2023. Collection method: clinical testing. Allele origin: germline.